The following is an entry in ClinVar:

NM_001349253.2(SCN11A):c.683G>C (p.Arg228Thr)

Gene: SCN11A (sodium voltage-gated channel alpha subunit 11; minus strand). Cytogenetic location: 3p22.2.
Variant type: single nucleotide variant.
Coding change: c.683G>C on transcript NM_001349253.2 (MANE Select); coding-DNA position 683, G replaced by C.
Protein change: p.Arg228Thr; replaces arginine 228 with threonine.
Molecular consequence: missense variant.
Genome position (GRCh38, 1-based): chr3:38,925,444, C>G on the plus strand (G>C on the coding strand, the complement: SCN11A is on the minus strand). VCF-style: chr3-38925444-C-G. GRCh37 (hg19) VCF-style: chr3-38966935-C-G.
Other names: c.683G>C, p.Arg228Thr (NM_014139.3); short protein forms R228T.
Identifiers: ClinVar variation 3754687 (VCV003754687.2).
Genomic context (GRCh38, chr3:38,925,444, plus strand): 5'-GGAGCCAGTGTGGAAAGTGAGAGTGACTTACGTGAAACTACTGAAATTGCTTTCAAAGCT[C>G]TGAACACACGGAAGGTACGCAGGGGCAATAGTTTGATGGTGATTCCTGGAATATATGACA-3'
Protein context (NP_001336182.1, residues 218-238): LLPLRTFRVF[Arg228Thr]ALKAISVVSR

ClinVar aggregate classification (germline): Uncertain significance (1 of 4 stars; one submission).

Conditions:
Hereditary sensory and autonomic neuropathy type 7. Also called: HSAN VII; Neuropathy, hereditary sensory and autonomic, type VII. Identifiers: Orphanet 391397, MedGen C3809882, MONDO:0014244, OMIM 615548.
Familial episodic pain syndrome with predominantly lower limb involvement. Also called: Episodic pain syndrome, familial, 3. Identifiers: Orphanet 391384, Orphanet 391392, MedGen C3809899, MONDO:0014247, OMIM 615552.

Submission:

Labcorp Genetics (formerly Invitae), Labcorp
Classification: Uncertain significance for Familial episodic pain syndrome with predominantly lower limb involvement; Hereditary sensory and autonomic neuropathy type 7. Last evaluated: 2024-07-16. Review status: criteria provided, single submitter. Criteria: Invitae Variant Classification Sherloc (09022015). Collection method: clinical testing. Allele origin: germline.
Comment: This sequence change replaces arginine, which is basic and polar, with threonine, which is neutral and polar, at codon 228 of the SCN11A protein (p.Arg228Thr). This variant is not present in population databases (gnomAD no frequency). This variant has not been reported in the literature in individuals affected with SCN11A-related conditions. Advanced modeling of protein sequence and biophysical properties (such as structural, functional, and spatial information, amino acid conservation, physicochemical variation, residue mobility, and thermodynamic stability) performed at Invitae indicates that this missense variant is expected to disrupt SCN11A protein function with a positive predictive value of 80%. In summary, the available evidence is currently insufficient to determine the role of this variant in disease. Therefore, it has been classified as a Variant of Uncertain Significance.